The following is an entry in ClinVar:

ClinVar aggregate classification (germline): Pathogenic (1 of 4 stars; one submission).

Conditions:
Familial adenomatous polyposis 1 (FAP1). Also called: FAMILIAL ADENOMATOUS POLYPOSIS 1, ATTENUATED; POLYPOSIS, ADENOMATOUS INTESTINAL. Identifiers: MedGen C2713442, MONDO:0021056, OMIM 175100. Disease mechanism: loss of function.

Submission:

GeneDx
Classification: Pathogenic. Last evaluated: 2022-08-03. Review status: criteria provided, single submitter. Criteria: GeneDx Variant Classification Process June 2021. Collection method: clinical testing. Allele origin: germline. Affected: yes.
Comment: Frameshift variant predicted to result in protein truncation or nonsense mediated decay in a gene for which loss of function is a known mechanism of disease; Not observed at significant frequency in large population cohorts (gnomAD); Observed in individuals with Familial Adenomatous Polyposis syndrome (Lagarde et al., 2010); This variant is associated with the following publications: (PMID: 20685668)

NM_000038.6(APC):c.1210del (p.Ile404fs)

Gene: APC (APC regulator of Wnt signaling pathway; plus strand). Cytogenetic location: 5q22.2.
Variant type: Deletion.
Coding change: c.1210del on transcript NM_000038.6 (MANE Select); coding-DNA position 1210, one base deleted (A; older notation c.1210delA).
Protein change: p.Ile404fs; shifts the reading frame from isoleucine 404.
Molecular consequence: frameshift variant. On other transcripts: intron variant (4).
Genome position (GRCh38, 1-based): chr5:112,819,242, A deleted; the last of 3 consecutive A bases (chr5:112,819,240-112,819,242); deleting any one gives the same sequence. VCF-style (leftmost placement, unchanged base first): chr5-112819239-GA-G. GRCh37 (hg19) VCF-style: chr5-112154936-GA-G.
Other names: c.1210del, p.Ile404fs (NM_001127510.3, NM_001354895.2, NM_001354896.2); c.1156del, p.Ile386fs (NM_001127511.3); c.1240del, p.Ile414fs (NM_001354897.2); c.1135del, p.Ile379fs (NM_001354898.2); c.1126del, p.Ile376fs (NM_001354899.2); c.1033del, p.Ile345fs (NM_001354900.2, NM_001354901.2); c.361del, p.Ile121fs (NM_001354906.2); c.964-27del (NM_001354902.2); and 4 more; short protein forms I376fs, I379fs, I414fs, I121fs, I386fs, I404fs, I345fs.
Identifiers: ClinVar variation 419993 (VCV000419993.5), dbSNP rs1064794225, ClinGen allele CA16618071.